The following is an entry in ClinVar:

NM_000277.3(PAH):c.1199+1G>C

Gene: PAH (phenylalanine hydroxylase; minus strand). Cytogenetic location: 12q23.2.
Variant type: single nucleotide variant.
Coding change: c.1199+1G>C on transcript NM_000277.3 (MANE Select); the canonical splice donor site of the intron after coding-DNA position 1199, G replaced by C.
Molecular consequence: splice donor variant.
Genome position (GRCh38, 1-based): chr12:102,843,645, C>G on the plus strand (G>C on the coding strand, the complement: PAH is on the minus strand). VCF-style: chr12-102843645-C-G. GRCh37 (hg19) VCF-style: chr12-103237423-C-G.
Other names: NM_000277.2(PAH):c.1199+1G>C; c.1199+1G>C (NM_000277.2, NM_001354304.2).
Identifiers: ClinVar variation 102557 (VCV000102557.48), dbSNP rs62509015, ClinGen allele CA274088.

ClinVar aggregate classification (germline): Pathogenic. Review status: reviewed by expert panel (3 of 4 stars). 13 submissions from 13 submitters: Pathogenic (1). 12 of the submissions do not count toward it. Last evaluated 2018-08-27.

Conditions:
Phenylketonuria (PKU). Also called: Phenylketonurias; OLIGOPHRENIA PHENYLPYRUVICA; FOLLING DISEASE; Phenylketonuria (PKU). Identifiers: Orphanet 716, MedGen C0031485, MONDO:0009861, OMIM 261600. Disease mechanism: loss of function.

gnomAD v4.1: 6 of 1,613,600 alleles (0.00037%); highest among the groups gnomAD compares: South Asian, 0.0055%; no homozygotes.

Submissions (13):

ClinGen PAH Variant Curation Expert Panel
Classification: Pathogenic for Phenylketonuria. Last evaluated: 2018-08-27. Review status: reviewed by expert panel. Criteria: ClinGen PAH ACMG Specifications v1. Collection method: curation. Allele origin: germline. Inheritance: Autosomal recessive inheritance.
Comment: PAH-specific ACMG/AMP criteria applied: PM2: 8.1e-6 allele frequency in GnomAD, not found in any other databases; PM3: [c.898G>T];[c.1199+1G>C] in a patient with mild hyperphe (180umol/L); PP4_Moderate: Single patient in Sterl 2013, BH4 defect excluded. Also identified in multiple other patients (7 publications linked through ClinVar) (PMID:22526846); PVS1: +1 canonical splice site. In summary this variant meets criteria to be classified as pathogenic for phenylketonuria in an autosomal recessive manner based on the ACMG/AMP criteria applied as specified by the PAH Expert Panel: (PM2, PM3, PP4_Moderate, PVS1).

CeGaT Center for Human Genetics Tuebingen
Classification: Pathogenic. Last evaluated: 2026-07-01. Review status: criteria provided, single submitter. Criteria: CeGaT Center For Human Genetics Tuebingen Variant Classification Criteria Version 2. Collection method: clinical testing. Allele origin: germline. Affected: yes. Observed: 5 variant alleles. Not counted in ClinVar's aggregate classification.
Comment: PAH: PM3:Very Strong, PVS1, PM2, PP4:Moderate

Myriad Genetics, Inc.
Classification: Pathogenic for Phenylketonuria. Last evaluated: 2026-06-11. Review status: criteria provided, single submitter. Criteria: Myriad Autosomal Dominant, Autosomal Recessive and X-Linked Classification Criteria (2023). Collection method: clinical testing. Allele origin: unknown. Not counted in ClinVar's aggregate classification.
Comment: NM_000277.1(PAH):c.1199+1G>C is a variant in a canonical splice site classified as pathogenic in the context of phenylalanine hydroxylase deficiency. c.1199+1G>C has been observed in cases with relevant disease (PMID: 20920871). Relevant functional assessments of this variant are not available in the literature. c.1199+1G>C has been observed in referenced population frequency databases. In summary, NM_000277.1(PAH):c.1199+1G>C is a variant in a canonical splice site in a gene where loss of function is a known mechanism of disease, is predicted to disrupt protein function, and has been observed more frequently in cases with the relevant disease than in healthy populations. Please note: this variant was assessed in the context of healthy population screening.

Labcorp Genetics (formerly Invitae), Labcorp
Classification: Pathogenic for Phenylketonuria. Last evaluated: 2025-09-29. Review status: criteria provided, single submitter. Criteria: Invitae Variant Classification Sherloc (09022015). Collection method: clinical testing. Allele origin: germline. Not counted in ClinVar's aggregate classification.
Comment: This sequence change affects a donor splice site in intron 11 of the PAH gene. It is expected to disrupt RNA splicing. Variants that disrupt the donor or acceptor splice site typically lead to a loss of protein function (PMID: 16199547), and loss-of-function variants in PAH are known to be pathogenic (PMID: 1301187, 9634518). This variant is present in population databases (rs62509015, gnomAD 0.003%). Disruption of this splice site has been observed in individual(s) with phenylketonuria (PMID: 20187763, 22526846, 22763404, 23856132, 24301756, 26351554, 26413448). This variant is also known as IVS11+1G>C. ClinVar contains an entry for this variant (Variation ID: 102557). Algorithms developed to predict the effect of sequence changes on RNA splicing suggest that this variant may disrupt the consensus splice site. For these reasons, this variant has been classified as Pathogenic.

GeneDx
Classification: Pathogenic. Last evaluated: 2025-04-07. Review status: criteria provided, single submitter. Criteria: GeneDx Variant Classification Process June 2021. Collection method: clinical testing. Allele origin: germline. Affected: yes. Not counted in ClinVar's aggregate classification.
Comment: Identified in apparent homozygous state and with a second PAH variant in patients with phenylketonuria (PKU) in published literature; Canonical splice site variant predicted to result in a null allele in a gene for which loss-of-function is a known mechanism of disease; Not observed at significant frequency in large population cohorts (gnomAD); This variant is associated with the following publications: (PMID: 26025954, 25525159, 24301756, 22526846, 30747360, 32905092, 32668217, 34426522, 35405047, 36646061, 22333022, 28676969, 29499199, 31355225)

Revvity Omics, Revvity
Classification: Pathogenic for Phenylketonuria. Last evaluated: 2025-01-17. Review status: criteria provided, single submitter. Criteria: ACMG Guidelines, 2015. Collection method: clinical testing. Allele origin: germline. Not counted in ClinVar's aggregate classification.

Natera, Inc.
Classification: Pathogenic for Phenylketonuria. Last evaluated: 2024-02-26. Review status: criteria provided, single submitter. Criteria: Natera Variant Classification Schema (03/2026). Collection method: clinical testing. Allele origin: germline. Not counted in ClinVar's aggregate classification.
Comment: The c.1199+1G>C variant in PAH is a canonical splice donor site variant predicted to affect pre-mRNA splicing, which may result in an abnormal transcript and altered protein product. This variant is expected to result in nonsense mediated decay, truncation, or a dysfunctional protein product. This variant is rare in the general population with a frequency below the threshold expected for the associated phenotype(s). This variant has been observed in one or more individuals affected with the associated recessive disease, as either homozygous or compound heterozygous with a second variant (PMID: 26666653). Given the available evidence, this variant is classified as Pathogenic.

MGZ Medical Genetics Center
Classification: Pathogenic for Phenylketonuria. Last evaluated: 2022-03-17. Review status: criteria provided, single submitter. Criteria: ACMG Guidelines, 2015. Collection method: clinical testing. Allele origin: germline. Affected: yes. Observed: 1 variant allele. Not counted in ClinVar's aggregate classification.
Comment: ACMG criteria applied: PVS1, PM3, PP4_MOD, PM2_SUP

Department of Human Genetics, Hannover Medical School
Classification: Pathogenic for Phenylketonuria. Last evaluated: 2021-12-29. Review status: criteria provided, single submitter. Criteria: ACMG Guidelines, 2015. Collection method: clinical testing. Allele origin: germline. Inheritance: Autosomal recessive inheritance. Affected: yes. Not counted in ClinVar's aggregate classification.

Fulgent Genetics
Classification: Pathogenic for Phenylketonuria. Last evaluated: 2021-11-12. Review status: criteria provided, single submitter. Criteria: ACMG Guidelines, 2015. Collection method: clinical testing. Allele origin: unknown. Not counted in ClinVar's aggregate classification.

Women's Health and Genetics/Laboratory Corporation of America, LabCorp
Classification: Pathogenic for Phenylketonuria. Last evaluated: 2019-02-28. Review status: criteria provided, single submitter. Criteria: LabCorp Variant Classification Summary - May 2015. Collection method: clinical testing. Allele origin: germline. Not counted in ClinVar's aggregate classification.
Comment: Variant summary: The variant, PAH c.1199+1G>C is located in a canonical splice-site and is predicted to affect mRNA splicing resulting in a significantly altered protein due to either exon skipping, shortening, or inclusion of intronic material. Several computational tools predict a significant impact on normal splicing: Five predict the variant abolishes a 5 splicing donor site. However, these predictions have yet to be confirmed by functional studies. The variant allele was found at a frequency of 8.1e-06 in 246046 control chromosomes (gnomAD) and as been reported in the literature in multiple individuals affected with Phenylalanine Hydroxylase Deficiency (Phenylketonuria, Zare-Karizi_2011, Dobrowolski_2011, Jeannesson-Thivisol_2015, Liu_2017). These data indicate that the variant is very likely to be associated with disease. At least one publication reports experimental evidence evaluating an impact on protein function (Dobrowolski_2011), however, does not allow convincing conclusions about the variant effect. Three ClinVar submissions from clinical diagnostic laboratories (evaluation after 2014) cites the variant as pathogenic. Based on the evidence outlined above, the variant was classified as pathogenic.

Counsyl
Classification: Likely pathogenic for Phenylketonuria. Last evaluated: 2014-07-19. Review status: no assertion criteria provided. Collection method: literature only. Allele origin: unknown. Inheritance: Autosomal recessive inheritance. Not counted in ClinVar's aggregate classification.

DeBelle Laboratory for Biochemical Genetics, MUHC/MCH RESEARCH INSTITUTE
No classification provided. Review status: no classification provided. Collection method: not provided. Allele origin: not provided. Not counted in ClinVar's aggregate classification.

Literature cited by the submitters: PubMed 22526846 (cited by 3 submitters); PubMed 20920871 (cited by 3 submitters); PubMed 16199547 (cited by Labcorp Genetics (formerly Invitae), Labcorp); PubMed 1301187 (cited by Labcorp Genetics (formerly Invitae), Labcorp); PubMed 9634518 (cited by Labcorp Genetics (formerly Invitae), Labcorp); PubMed 20187763 (cited by Labcorp Genetics (formerly Invitae), Labcorp and Counsyl); PubMed 22763404 (cited by Labcorp Genetics (formerly Invitae), Labcorp and Counsyl); PubMed 23856132 (cited by Labcorp Genetics (formerly Invitae), Labcorp and Counsyl); PubMed 24301756 (cited by Labcorp Genetics (formerly Invitae), Labcorp and Counsyl); PubMed 26351554 (cited by Labcorp Genetics (formerly Invitae), Labcorp); PubMed 26413448 (cited by Labcorp Genetics (formerly Invitae), Labcorp); PubMed 26666653 (cited by Natera, Inc. and Women's Health and Genetics/Laboratory Corporation of America, LabCorp); PubMed 21147011 (cited by Women's Health and Genetics/Laboratory Corporation of America, LabCorp); PubMed 23074961 (cited by Counsyl); PubMed 22333022 (cited by Counsyl).